The following is an entry in ClinVar:

NM_001130965.3(SUN1):c.1548G>A (p.Met516Ile)

Gene: SUN1 (Sad1 and UNC84 domain containing 1; plus strand). Cytogenetic location: 7p22.3.
Variant type: single nucleotide variant.
Coding change: c.1548G>A on transcript NM_001130965.3 (MANE Select); coding-DNA position 1548, G replaced by A.
Protein change: p.Met516Ile; replaces methionine 516 with isoleucine.
Molecular consequence: missense variant. On other transcripts: non-coding transcript variant (3).
Genome position (GRCh38, 1-based): chr7:860,151, G>A. VCF-style: chr7-860151-G-A. GRCh37 (hg19) VCF-style: chr7-899788-G-A.
Other names: c.1731G>A, p.Met577Ile (NM_001367676.1); c.1854G>A, p.Met618Ile (NM_001367677.1); c.1938G>A, p.Met646Ile (NM_001367678.1, NM_001367699.1); c.1506G>A, p.Met502Ile (NM_001367679.1); c.1482G>A, p.Met494Ile (NM_001367680.1); c.1596G>A, p.Met532Ile (NM_001367681.1, NM_001367645.1); c.1830G>A, p.Met610Ile (NM_001367682.1, NM_001367641.1); c.1632G>A, p.Met544Ile (NM_001367683.1); and 43 more; short protein forms M278I, M327I, M363I, M399I, M413I, M433I, M455I, M460I.
Identifiers: ClinVar variation 4805649 (VCV004805649.1).

ClinVar aggregate classification (germline): Uncertain significance (1 of 4 stars; one submission).

Conditions:
Emery-Dreifuss muscular dystrophy (EDMD). Also called: Scapuloperoneal syndrome, X-linked (formerly); Humeroperoneal neuromuscular disease, (formerly). Identifiers: Orphanet 261, MedGen C0410189, MONDO:0016830.

Submission:

Labcorp Genetics (formerly Invitae), Labcorp
Classification: Uncertain significance for Emery-Dreifuss muscular dystrophy. Last evaluated: 2025-06-18. Review status: criteria provided, single submitter. Criteria: Invitae Variant Classification Sherloc (09022015). Collection method: clinical testing. Allele origin: germline.
Comment: This sequence change replaces methionine, which is neutral and non-polar, with isoleucine, which is neutral and non-polar, at codon 516 of the SUN1 protein (p.Met516Ile). This variant is not present in population databases (gnomAD no frequency). This variant has not been reported in the literature in individuals affected with SUN1-related conditions. An algorithm developed to predict the effect of missense changes on protein structure and function (PolyPhen-2) suggests that this variant is likely to be tolerated. In summary, the available evidence is currently insufficient to determine the role of this variant in disease. Therefore, it has been classified as a Variant of Uncertain Significance.